The following is an entry in ClinVar:

NM_139057.4(ADAMTS17):c.206C>T (p.Pro69Leu)

Gene: ADAMTS17 (ADAM metallopeptidase with thrombospondin type 1 motif 17; minus strand). Cytogenetic location: 15q26.3.
Variant type: single nucleotide variant.
Coding change: c.206C>T on transcript NM_139057.4 (MANE Select); coding-DNA position 206, C replaced by T.
Protein change: p.Pro69Leu; replaces proline 69 with leucine.
Molecular consequence: missense variant.
Genome position (GRCh38, 1-based): chr15:100,341,283, G>A on the plus strand (C>T on the coding strand, the complement: ADAMTS17 is on the minus strand). VCF-style: chr15-100341283-G-A. GRCh37 (hg19) VCF-style: chr15-100881488-G-A.
Other names: c.206C>T (NM_139057.2); short protein forms P69L.
Identifiers: ClinVar variation 1369057 (VCV001369057.5), dbSNP rs889489872, ClinGen allele CA275938188.

ClinVar aggregate classification (germline): Uncertain significance. Review status: criteria provided, multiple submitters, no conflicts (2 of 4 stars). 2 submissions from 2 submitters: Uncertain significance (2). Last evaluated 2025-11-18.

Conditions:
Inborn genetic diseases. Identifiers: MedGen C0950123, MeSH D030342.

Allele frequency attached by ClinVar (database versions not stated): 1000 Genomes Project 30x 0.00031; gnomAD 0.00039 and 0.00040; TOPMed 0.00040; gnomAD exomes 0.00191.
gnomAD v4.1: 107 of 1,126,988 alleles (0.0095%); highest among the groups gnomAD compares: African/African-American, 0.15%; no homozygotes.

Submissions (2):

Labcorp Genetics (formerly Invitae), Labcorp
Classification: Uncertain significance. Last evaluated: 2025-11-18. Review status: criteria provided, single submitter. Criteria: Invitae Variant Classification Sherloc (09022015). Collection method: clinical testing. Allele origin: germline.
Comment: This sequence change replaces proline, which is neutral and non-polar, with leucine, which is neutral and non-polar, at codon 69 of the ADAMTS17 protein (p.Pro69Leu). This variant is present in population databases (no rsID available, gnomAD 0.1%). This variant has not been reported in the literature in individuals affected with ADAMTS17-related conditions. ClinVar contains an entry for this variant (Variation ID: 1369057). An algorithm developed to predict the effect of missense changes on protein structure and function outputs the following: PolyPhen-2: "Benign". The leucine amino acid residue is found in multiple mammalian species, which suggests that this missense change does not adversely affect protein function. In summary, the available evidence is currently insufficient to determine the role of this variant in disease. Therefore, it has been classified as a Variant of Uncertain Significance.

Ambry Genetics
Classification: Uncertain significance for Inborn genetic diseases. Last evaluated: 2021-09-01. Review status: criteria provided, single submitter. Criteria: Ambry Variant Classification Scheme 2023. Collection method: clinical testing. Allele origin: germline.